The following is an entry in ClinVar:

ClinVar aggregate classification (germline): Uncertain significance (1 of 4 stars; one submission).

Allele frequency attached by ClinVar (database versions not stated): gnomAD exomes below 0.00001.
gnomAD v4.1: 1 of 1,614,150 alleles (0.000062%); highest among the groups gnomAD compares: Non-Finnish European, 0.000085%; no homozygotes.

Submission:

Labcorp Genetics (formerly Invitae), Labcorp
Classification: Uncertain significance. Last evaluated: 2022-08-06. Review status: criteria provided, single submitter. Criteria: Invitae Variant Classification Sherloc (09022015). Collection method: clinical testing. Allele origin: germline.
Comment: This variant has not been reported in the literature in individuals affected with TAF2-related conditions. In summary, the available evidence is currently insufficient to determine the role of this variant in disease. Therefore, it has been classified as a Variant of Uncertain Significance. Algorithms developed to predict the effect of missense changes on protein structure and function output the following: SIFT: "Tolerated"; PolyPhen-2: "Benign"; Align-GVGD: "Class C0". The serine amino acid residue is found in multiple mammalian species, which suggests that this missense change does not adversely affect protein function. This variant is not present in population databases (gnomAD no frequency). This sequence change replaces alanine, which is neutral and non-polar, with serine, which is neutral and polar, at codon 645 of the TAF2 protein (p.Ala645Ser).

NM_003184.4(TAF2):c.1933G>T (p.Ala645Ser)

Gene: TAF2 (TATA-box binding protein associated factor 2; minus strand). Cytogenetic location: 8q24.12.
Variant type: single nucleotide variant.
Coding change: c.1933G>T on transcript NM_003184.4 (MANE Select); coding-DNA position 1933, G replaced by T.
Protein change: p.Ala645Ser; replaces alanine 645 with serine.
Molecular consequence: missense variant.
Genome position (GRCh38, 1-based): chr8:119,783,560, C>A on the plus strand (G>T on the coding strand, the complement: TAF2 is on the minus strand). VCF-style: chr8-119783560-C-A. GRCh37 (hg19) VCF-style: chr8-120795800-C-A.
Other names: short protein forms A645S.
Identifiers: ClinVar variation 1940288 (VCV001940288.5), dbSNP rs907035002, ClinGen allele CA184330738.